The following is an entry in ClinVar:

NM_001039591.3(USP9X):c.4434G>A (p.Met1478Ile)

Gene: USP9X (ubiquitin specific peptidase 9 X-linked; plus strand). Cytogenetic location: Xp11.4.
Variant type: single nucleotide variant.
Coding change: c.4434G>A on transcript NM_001039591.3 (MANE Select); coding-DNA position 4434, G replaced by A.
Protein change: p.Met1478Ile; replaces methionine 1478 with isoleucine.
Molecular consequence: missense variant.
Genome position (GRCh38, 1-based): chrX:41,198,581, G>A. VCF-style: chrX-41198581-G-A. GRCh37 (hg19) VCF-style: chrX-41057834-G-A.
Other names: c.4434G>A, p.Met1478Ile (NM_001039590.3); c.4449G>A, p.Met1483Ile (NM_001410748.1, NM_001410749.1, NM_001437534.1); short protein forms M1478I, M1483I.
Identifiers: ClinVar variation 4882454 (VCV004882454.2).

ClinVar aggregate classification (germline): Uncertain significance (1 of 4 stars; one submission).

Submission:

Dasa
Classification: Uncertain significance. Last evaluated: 2025-04-01. Review status: criteria provided, single submitter. Criteria: DASA Assertion Criteria. Collection method: clinical testing. Allele origin: germline.
Comment: NM_001039591.3(USP9X):c.4434G>A (p.Met1478Ile) is a missense variant that results in the substitution of methionine with isoleucine. This variant is absent from population databases. Computational prediction algorithms are consistent with a benign effect. The currently available literature and clinical evidence are not sufficient to establish a definitive association between this variant and the reported condition. Therefore, this variant is classified as a variant of uncertain significance.